The following is an entry in ClinVar:

NM_033026.6(PCLO):c.5353T>A (p.Leu1785Ile)

Gene: PCLO (piccolo presynaptic cytomatrix protein; minus strand). Cytogenetic location: 7q21.11.
Variant type: single nucleotide variant.
Coding change: c.5353T>A on transcript NM_033026.6 (MANE Select); coding-DNA position 5353, T replaced by A.
Protein change: p.Leu1785Ile; replaces leucine 1785 with isoleucine.
Molecular consequence: missense variant.
Genome position (GRCh38, 1-based): chr7:82,955,600, A>T on the plus strand (T>A on the coding strand, the complement: PCLO is on the minus strand). VCF-style: chr7-82955600-A-T. GRCh37 (hg19) VCF-style: chr7-82584916-A-T.
Other names: c.5353T>A, p.Leu1785Ile (NM_014510.3); short protein forms L1785I.
Identifiers: ClinVar variation 2104573 (VCV002104573.4), dbSNP rs2535707555, ClinGen allele CA367924510.

ClinVar aggregate classification (germline): Uncertain significance (1 of 4 stars; one submission).

gnomAD v4.1: 3 of 1,613,720 alleles (0.00019%); highest among the groups gnomAD compares: Non-Finnish European, 0.00025%; no homozygotes.

Submission:

Labcorp Genetics (formerly Invitae), Labcorp
Classification: Uncertain significance. Last evaluated: 2022-11-01. Review status: criteria provided, single submitter. Criteria: Invitae Variant Classification Sherloc (09022015). Collection method: clinical testing. Allele origin: germline.
Comment: This sequence change replaces leucine, which is neutral and non-polar, with isoleucine, which is neutral and non-polar, at codon 1785 of the PCLO protein (p.Leu1785Ile). This variant is not present in population databases (gnomAD no frequency). This variant has not been reported in the literature in individuals affected with PCLO-related conditions. Algorithms developed to predict the effect of missense changes on protein structure and function are either unavailable or do not agree on the potential impact of this missense change (SIFT: "Deleterious"; PolyPhen-2: "Not Available"; Align-GVGD: "Class C0"). In summary, the available evidence is currently insufficient to determine the role of this variant in disease. Therefore, it has been classified as a Variant of Uncertain Significance.